The following is an entry in ClinVar:

NM_017612.5(ZCCHC8):c.230T>A (p.Leu77Gln)

Gene: ZCCHC8 (zinc finger CCHC-type containing 8; minus strand). Cytogenetic location: 12q24.31.
Variant type: single nucleotide variant.
Coding change: c.230T>A on transcript NM_017612.5 (MANE Select); coding-DNA position 230, T replaced by A.
Protein change: p.Leu77Gln; replaces leucine 77 with glutamine.
Molecular consequence: missense variant. On other transcripts: 5 prime UTR variant (2), intron variant (1).
Genome position (GRCh38, 1-based): chr12:122,498,839, A>T on the plus strand (T>A on the coding strand, the complement: ZCCHC8 is on the minus strand). VCF-style: chr12-122498839-A-T. GRCh37 (hg19) VCF-style: chr12-122983386-A-T.
Other names: c.230T>A, p.Leu77Gln (NM_001350935.2); c.-315T>A (NM_001350937.2); c.-209T>A (NM_001350938.2); c.-56+1134T>A (NM_001350936.2); short protein forms L77Q.
Identifiers: ClinVar variation 4776848 (VCV004776848.1).

ClinVar aggregate classification (germline): Uncertain significance (1 of 4 stars; one submission).

Submission:

Labcorp Genetics (formerly Invitae), Labcorp
Classification: Uncertain significance. Last evaluated: 2025-08-09. Review status: criteria provided, single submitter. Criteria: Invitae Variant Classification Sherloc (09022015). Collection method: clinical testing. Allele origin: germline.
Comment: This sequence change replaces leucine, which is neutral and non-polar, with glutamine, which is neutral and polar, at codon 77 of the ZCCHC8 protein (p.Leu77Gln). This variant is not present in population databases (gnomAD no frequency). This variant has not been reported in the literature in individuals affected with ZCCHC8-related conditions. Invitae Evidence Modeling of protein sequence and biophysical properties (such as structural, functional, and spatial information, amino acid conservation, physicochemical variation, residue mobility, and thermodynamic stability) indicates that this missense variant is expected to disrupt ZCCHC8 protein function with a positive predictive value of 80%. In summary, the available evidence is currently insufficient to determine the role of this variant in disease. Therefore, it has been classified as a Variant of Uncertain Significance.